The following is an entry in ClinVar:

NM_001122955.4(BSCL2):c.371_374dup (p.His126fs)

Genes: BSCL2 (BSCL2 lipid droplet biogenesis associated, seipin; minus strand), HNRNPUL2-BSCL2 (HNRNPUL2-BSCL2 readthrough (NMD candidate); minus strand). Cytogenetic location: 11q12.3.
Variant type: Duplication.
Coding change: c.371_374dup on transcript NM_001122955.4 (MANE Select); coding-DNA positions 371 to 374, 4 bases duplicated (TCAG; older notation c.371_374dupTCAG).
Protein change: p.His126fs; shifts the reading frame from histidine 126.
Molecular consequence: frameshift variant. On other transcripts: non-coding transcript variant (1).
Genome position (GRCh38, 1-based): chr11:62,705,331-62,705,334, CTGA duplicated on the plus strand (TCAG on the coding strand, the reverse complement: BSCL2 is on the minus strand); duplicating any 4 consecutive bases within chr11:62,705,331-62,705,337 gives the same sequence; the c. name uses the placement nearest the transcript's 3' end. VCF-style (leftmost placement, unchanged base first): chr11-62705330-G-GCTGA. GRCh37 (hg19) VCF-style: chr11-62472802-G-GCTGA.
Other names: c.179_182dup, p.His62fs (NM_001130702.2, NM_032667.6); c.371_374dup, p.His126fs (NM_001386027.1, NM_001386028.1); short protein forms H126fs, H62fs.
Identifiers: ClinVar variation 2018975 (VCV002018975.4), dbSNP rs2539181714, ClinGen allele CA2580084382.

ClinVar aggregate classification (germline): Pathogenic (1 of 4 stars; one submission).

Conditions:
Charcot-Marie-Tooth disease type 2. Also called: Charcot-Marie-Tooth type 2. Identifiers: Orphanet 64746, MedGen C0270914, MONDO:0018993.

Submission:

Labcorp Genetics (formerly Invitae), Labcorp
Classification: Pathogenic for Charcot-Marie-Tooth disease type 2. Last evaluated: 2022-07-22. Review status: criteria provided, single submitter. Criteria: Invitae Variant Classification Sherloc (09022015). Collection method: clinical testing. Allele origin: germline.
Comment: For these reasons, this variant has been classified as Pathogenic. This variant has not been reported in the literature in individuals affected with BSCL2-related conditions. This variant is not present in population databases (gnomAD no frequency). This sequence change creates a premature translational stop signal (p.His62Glnfs*15) in the BSCL2 gene. It is expected to result in an absent or disrupted protein product. Loss-of-function variants in BSCL2 are known to be pathogenic (PMID: 11479539, 23564749).

Literature cited by the submitters: PubMed 11479539; PubMed 23564749.